The following is an entry in ClinVar:

ClinVar aggregate classification (germline): Uncertain significance (1 of 4 stars; one submission).

Conditions:
Inborn genetic diseases. Identifiers: MedGen C0950123, MeSH D030342.

Allele frequency attached by ClinVar (database versions not stated): gnomAD exomes below 0.00001.
gnomAD v4.1: 7 of 1,614,144 alleles (0.00043%); highest among the groups gnomAD compares: Non-Finnish European, 0.00034%; no homozygotes.

Submission:

Ambry Genetics
Classification: Uncertain significance for Inborn genetic diseases. Last evaluated: 2023-08-07. Review status: criteria provided, single submitter. Criteria: Ambry Variant Classification Scheme 2023. Collection method: clinical testing. Allele origin: germline.
Comment: The c.1061C>T (p.A354V) alteration is located in exon 10 (coding exon 10) of the MYO1E gene. This alteration results from a C to T substitution at nucleotide position 1061, causing the alanine (A) at amino acid position 354 to be replaced by a valine (V). Based on data from gnomAD, the T allele has an overall frequency of <0.001% (1/251414) total alleles studied. The highest observed frequency was 0.009% (1/10078) of Ashkenazi Jewish alleles. This amino acid position is highly conserved in available vertebrate species. The in silico prediction for this alteration is inconclusive. Based on insufficient or conflicting evidence, the clinical significance of this alteration remains unclear.

NM_004998.4(MYO1E):c.1061C>T (p.Ala354Val)

Gene: MYO1E (myosin IE; minus strand). Cytogenetic location: 15q22.2.
Variant type: single nucleotide variant.
Coding change: c.1061C>T on transcript NM_004998.4 (MANE Select); coding-DNA position 1061, C replaced by T.
Protein change: p.Ala354Val; replaces alanine 354 with valine.
Molecular consequence: missense variant.
Genome position (GRCh38, 1-based): chr15:59,217,937, G>A on the plus strand (C>T on the coding strand, the complement: MYO1E is on the minus strand). VCF-style: chr15-59217937-G-A. GRCh37 (hg19) VCF-style: chr15-59510136-G-A.
Other names: short protein forms A354V.
Identifiers: ClinVar variation 2609094 (VCV002609094.2), dbSNP rs200925200, ClinGen allele CA271821140.